The following is an entry in ClinVar:

NM_173495.3(PTCHD1):c.2217A>G (p.Ile739Met)

Gene: PTCHD1 (patched domain containing 1; plus strand). Cytogenetic location: Xp22.11.
Variant type: single nucleotide variant.
Coding change: c.2217A>G on transcript NM_173495.3 (MANE Select); coding-DNA position 2217, A replaced by G.
Protein change: p.Ile739Met; replaces isoleucine 739 with methionine.
Molecular consequence: missense variant.
Genome position (GRCh38, 1-based): chrX:23,393,735, A>G. VCF-style: chrX-23393735-A-G. GRCh37 (hg19) VCF-style: chrX-23411852-A-G.
Other names: short protein forms I739M.
Identifiers: ClinVar variation 2580548 (VCV002580548.1), dbSNP rs2518767512, ClinGen allele CA412587605.

ClinVar aggregate classification (germline): Uncertain significance (1 of 4 stars; one submission).

Submission:

GeneDx
Classification: Uncertain significance. Last evaluated: 2023-03-24. Review status: criteria provided, single submitter. Criteria: GeneDx Variant Classification Process June 2021. Collection method: clinical testing. Allele origin: germline. Affected: yes.
Comment: Not observed at significant frequency in large population cohorts (gnomAD); In silico analysis supports that this missense variant does not alter protein structure/function; Has not been previously published as pathogenic or benign to our knowledge